The following is an entry in ClinVar:

ClinVar aggregate classification (germline): Likely benign (0 of 4 stars; one submission).

Conditions:
PLXND1-related disorder. Also called: PLXND1-related condition.

gnomAD v4.1: 13 of 1,534,684 alleles (0.00085%); highest among the groups gnomAD compares: African/African-American, 0.0098%; no homozygotes.

Submission:

PreventionGenetics, part of Exact Sciences
Classification: Likely benign for PLXND1-related condition. Last evaluated: 2019-09-17. Review status: no assertion criteria provided. Collection method: clinical testing. Allele origin: germline.
Comment: This variant is classified as likely benign based on ACMG/AMP sequence variant interpretation guidelines (Richards et al. 2015 PMID: 25741868, with internal and published modifications).

NM_015103.3(PLXND1):c.474C>T (p.Ala158=)

Gene: PLXND1 (plexin D1; minus strand). Cytogenetic location: 3q22.1.
Variant type: single nucleotide variant.
Coding change: c.474C>T on transcript NM_015103.3 (MANE Select); coding-DNA position 474, C replaced by T.
Protein change: p.Ala158=; no amino-acid change (alanine 158 retained).
Molecular consequence: synonymous variant.
Genome position (GRCh38, 1-based): chr3:129,606,166, G>A on the plus strand (C>T on the coding strand, the complement: PLXND1 is on the minus strand). VCF-style: chr3-129606166-G-A. GRCh37 (hg19) VCF-style: chr3-129325009-G-A.
Identifiers: ClinVar variation 3040194 (VCV003040194.2), dbSNP rs746758587, ClinGen allele CA82655469.
Genomic context (GRCh38, chr3:129,606,166, plus strand): 5'-GCTGGGGAACACCGTGACGGGCTCGGCGGGCGGCGCGGCGGGCGGGAAGCGCACGGCCAC[G>A]GCCGAGATGTTGCCCCGGCGCCGCAGCTGGCAGAAGCCCTGGTAGATGGACCCGCACACG-3'
Protein context (NP_055918.3, residues 148-168): CQLRRRGNIS[Ala158=]VAVRFPPAAP